The following is an entry in ClinVar:

NM_001376.5(DYNC1H1):c.10786G>A (p.Ala3596Thr)

Gene: DYNC1H1 (dynein cytoplasmic 1 heavy chain 1; plus strand). Cytogenetic location: 14q32.31.
Variant type: single nucleotide variant.
Coding change: c.10786G>A on transcript NM_001376.5 (MANE Select); coding-DNA position 10786, G replaced by A.
Protein change: p.Ala3596Thr; replaces alanine 3596 with threonine.
Molecular consequence: missense variant.
Genome position (GRCh38, 1-based): chr14:102,036,520, G>A. VCF-style: chr14-102036520-G-A. GRCh37 (hg19) VCF-style: chr14-102502857-G-A.
Other names: short protein forms A3596T.
Identifiers: ClinVar variation 2050676 (VCV002050676.4), dbSNP rs2503835215, ClinGen allele CA391029613.

ClinVar aggregate classification (germline): Uncertain significance (1 of 4 stars; one submission).

Conditions:
Charcot-Marie-Tooth disease axonal type 2O. Also called: CHARCOT-MARIE-TOOTH NEUROPATHY, AXONAL, TYPE 2O; CHARCOT-MARIE-TOOTH DISEASE, AXONAL, AUTOSOMAL DOMINANT, TYPE 2O; Charcot-Marie-Tooth disease, axonal, type 20; Charcot-Marie-Tooth Neuropathy Type 2O. Identifiers: Orphanet 284232, MedGen C3280220, MONDO:0013644, OMIM 614228.

Submission:

Labcorp Genetics (formerly Invitae), Labcorp
Classification: Uncertain significance for Charcot-Marie-Tooth disease axonal type 2O. Last evaluated: 2022-02-07. Review status: criteria provided, single submitter. Criteria: Invitae Variant Classification Sherloc (09022015). Collection method: clinical testing. Allele origin: germline.
Comment: Advanced modeling of protein sequence and biophysical properties (such as structural, functional, and spatial information, amino acid conservation, physicochemical variation, residue mobility, and thermodynamic stability) performed at Invitae indicates that this missense variant is expected to disrupt DYNC1H1 protein function. This variant has not been reported in the literature in individuals affected with DYNC1H1-related conditions. This variant is not present in population databases (gnomAD no frequency). This sequence change replaces alanine, which is neutral and non-polar, with threonine, which is neutral and polar, at codon 3596 of the DYNC1H1 protein (p.Ala3596Thr). In summary, the available evidence is currently insufficient to determine the role of this variant in disease. Therefore, it has been classified as a Variant of Uncertain Significance.